The following is an entry in ClinVar:

NM_020949.3(SLC7A14):c.968T>C (p.Met323Thr)

Genes: SLC7A14 (solute carrier family 7 member 14; minus strand), SLC7A14-AS1 (SLC7A14 antisense RNA 1; plus strand). Cytogenetic location: 3q26.2.
Variant type: single nucleotide variant.
Coding change: c.968T>C on transcript NM_020949.3 (MANE Select); coding-DNA position 968, T replaced by C.
Protein change: p.Met323Thr; replaces methionine 323 with threonine.
Molecular consequence: missense variant.
Genome position (GRCh38, 1-based): chr3:170,483,461, A>G on the plus strand (T>C on the coding strand, the complement: SLC7A14 is on the minus strand). VCF-style: chr3-170483461-A-G. GRCh37 (hg19) VCF-style: chr3-170201250-A-G.
Other names: short protein forms M323T.
Identifiers: ClinVar variation 1922798 (VCV001922798.5), dbSNP rs954386141, ClinGen allele CA87712667.
Genomic context (GRCh38, chr3:170,483,461, plus strand): 5'-ACCGACCCAATGGCCACTACGAATTTGGCAGCATAGAACCCATGAGCCACAAACATCTCC[A>G]TGAGTGGGGATTCCGTGTCAATGGTATAATATGGCACCATCAGAGTTAAGATCACGCTCA-3'
Protein context (NP_066000.2, residues 313-333): YYTIDTESPL[Met323Thr]EMFVAHGFYA

ClinVar aggregate classification (germline): Uncertain significance (1 of 4 stars; one submission).

Submission:

Labcorp Genetics (formerly Invitae), Labcorp
Classification: Uncertain significance. Last evaluated: 2022-04-11. Review status: criteria provided, single submitter. Criteria: Invitae Variant Classification Sherloc (09022015). Collection method: clinical testing. Allele origin: germline.
Comment: This variant is not present in population databases (gnomAD no frequency). This sequence change replaces methionine, which is neutral and non-polar, with threonine, which is neutral and polar, at codon 323 of the SLC7A14 protein (p.Met323Thr). In summary, the available evidence is currently insufficient to determine the role of this variant in disease. Therefore, it has been classified as a Variant of Uncertain Significance. Algorithms developed to predict the effect of missense changes on protein structure and function (SIFT, PolyPhen-2, Align-GVGD) all suggest that this variant is likely to be tolerated. This variant has not been reported in the literature in individuals affected with SLC7A14-related conditions.